The following is an entry in ClinVar:

ClinVar aggregate classification (germline): Pathogenic (1 of 4 stars; one submission).

Conditions:
Neurofibromatosis, type 1 (NF1). Also called: VON RECKLINGHAUSEN DISEASE; Peripheral type neurofibromatosis; NEUROFIBROMATOSIS, TYPE I, SOMATIC; Neurofibromatosis, type I. Identifiers: Orphanet 636, MedGen C0027831, MONDO:0018975, OMIM 162200. Disease mechanism: loss of function.

Submission:

Labcorp Genetics (formerly Invitae), Labcorp
Classification: Pathogenic for Neurofibromatosis, type 1. Last evaluated: 2025-01-16. Review status: criteria provided, single submitter. Criteria: Invitae Variant Classification Sherloc (09022015). Collection method: clinical testing. Allele origin: germline.
Comment: This sequence change creates a premature translational stop signal (p.His2240Serfs*12) in the NF1 gene. It is expected to result in an absent or disrupted protein product. Loss-of-function variants in NF1 are known to be pathogenic (PMID: 10712197, 23913538). This variant is not present in population databases (gnomAD no frequency). This variant has not been reported in the literature in individuals affected with NF1-related conditions. For these reasons, this variant has been classified as Pathogenic.

Literature cited by the submitters: PubMed 10712197; PubMed 23913538.

NM_001042492.3(NF1):c.6779_6780insG (p.His2261fs)

Gene: NF1 (neurofibromin 1; plus strand). Cytogenetic location: 17q11.2.
Variant type: Insertion.
Coding change: c.6779_6780insG on transcript NM_001042492.3 (MANE Select); coding-DNA positions 6779 to 6780, G inserted.
Protein change: p.His2261fs; shifts the reading frame from histidine 2261.
Molecular consequence: frameshift variant.
Genome position: GRCh38 VCF-style: chr17-31338099-C-CG. GRCh37 (hg19) VCF-style: chr17-29665117-C-CG.
Other names: c.6716_6717insG, p.His2240fs (NM_000267.4); short protein forms H2261fs, H2240fs.
Identifiers: ClinVar variation 4711705 (VCV004711705.1).